The following is an entry in ClinVar:

ClinVar aggregate classification (germline): Uncertain significance (1 of 4 stars; one submission).

Submission:

Ambry Genetics
Classification: Uncertain significance. Last evaluated: 2025-02-15. Review status: criteria provided, single submitter. Criteria: Ambry Variant Classification Scheme 2023. Collection method: clinical testing. Allele origin: germline.
Comment: The p.I235V variant (also known as c.703A>G), located in coding exon 7 of the SRP72 gene, results from an A to G substitution at nucleotide position 703. The isoleucine at codon 235 is replaced by valine, an amino acid with highly similar properties. This amino acid position is conserved. In addition, this alteration is predicted to be tolerated by in silico analysis. Based on the available evidence, the clinical significance of this variant remains unclear.

NM_006947.4(SRP72):c.703A>G (p.Ile235Val)

Gene: SRP72 (signal recognition particle 72; plus strand). Cytogenetic location: 4q12.
Variant type: single nucleotide variant.
Coding change: c.703A>G on transcript NM_006947.4 (MANE Select); coding-DNA position 703, A replaced by G.
Protein change: p.Ile235Val; replaces isoleucine 235 with valine.
Molecular consequence: missense variant. On other transcripts: non-coding transcript variant (1), intron variant (1).
Genome position (GRCh38, 1-based): chr4:56,478,439, A>G. VCF-style: chr4-56478439-A-G. GRCh37 (hg19) VCF-style: chr4-57344605-A-G.
Other names: c.642+1737A>G (NM_001267722.2); short protein forms I235V.
Identifiers: ClinVar variation 3801488 (VCV003801488.1).
Genomic context (GRCh38, chr4:56,478,439, plus strand): 5'-GATGGGACTGAGGAAGACCCACAGGCAGAACTGGCCATCATTCATGGTCAGATGGCTTAT[A>G]TTCTGCAGCTTCAGGGTCGAACAGAGGAGGCTTTGCAACTTTACAATCAAATAATAAAAC-3'
Protein context (NP_008878.3, residues 225-245): LAIIHGQMAY[Ile235Val]LQLQGRTEEA